The following is an entry in ClinVar:

ClinVar aggregate classification (germline): Uncertain significance (1 of 4 stars; one submission).

Allele frequency attached by ClinVar (database versions not stated): gnomAD exomes below 0.00001.
gnomAD v4.1: 6 of 1,610,912 alleles (0.00037%); highest among the groups gnomAD compares: South Asian, 0.0066%; no homozygotes.

Submission:

CeGaT Center for Human Genetics Tuebingen
Classification: Uncertain significance. Last evaluated: 2023-12-01. Review status: criteria provided, single submitter. Criteria: CeGaT Center For Human Genetics Tuebingen Variant Classification Criteria Version 2. Collection method: clinical testing. Allele origin: germline. Affected: yes. Observed: 1 variant allele.
Comment: GRIA4: PM2, BP4

NM_000829.4(GRIA4):c.2708A>G (p.Ter903=)

Gene: GRIA4 (glutamate ionotropic receptor AMPA type subunit 4; plus strand). Cytogenetic location: 11q22.3.
Variant type: single nucleotide variant.
Coding change: c.2708A>G on transcript NM_000829.4 (MANE Select); coding-DNA position 2708, A replaced by G.
Protein change: p.Ter903=.
Molecular consequence: synonymous variant. On other transcripts: 3 prime UTR variant (1), non-coding transcript variant (1).
Genome position (GRCh38, 1-based): chr11:105,979,738, A>G. VCF-style: chr11-105979738-A-G. GRCh37 (hg19) VCF-style: chr11-105850465-A-G.
Other names: c.*166A>G (NM_001077243.3).
Identifiers: ClinVar variation 3026687 (VCV003026687.22), dbSNP rs1859183595, ClinGen allele CA476698124.